The following is an entry in ClinVar:

ClinVar aggregate classification (germline): Likely pathogenic (1 of 4 stars; one submission).

Conditions:
LAMA2-related muscular dystrophy (LAMA2-RD). Also called: Laminin alpha 2-related dystrophy. Identifiers: MedGen C5679788, MONDO:0100228.

Allele frequency attached by ClinVar (database versions not stated): gnomAD exomes below 0.00001.
gnomAD v4.1: 1 of 1,593,344 alleles (0.000063%); highest among the groups gnomAD compares: Non-Finnish European, 0.000086%; no homozygotes.

Submission:

Labcorp Genetics (formerly Invitae), Labcorp
Classification: Likely pathogenic for LAMA2-related muscular dystrophy. Last evaluated: 2022-09-13. Review status: criteria provided, single submitter. Criteria: Invitae Variant Classification Sherloc (09022015). Collection method: clinical testing. Allele origin: germline.
Comment: In summary, the currently available evidence indicates that the variant is pathogenic, but additional data are needed to prove that conclusively. Therefore, this variant has been classified as Likely Pathogenic. Algorithms developed to predict the effect of sequence changes on RNA splicing suggest that this variant may disrupt the consensus splice site. ClinVar contains an entry for this variant (Variation ID: 1506078). This variant has not been reported in the literature in individuals affected with LAMA2-related conditions. This variant is not present in population databases (gnomAD no frequency). This sequence change affects an acceptor splice site in intron 43 of the LAMA2 gene. It is expected to disrupt RNA splicing. Variants that disrupt the donor or acceptor splice site typically lead to a loss of protein function (PMID: 16199547), and loss-of-function variants in LAMA2 are known to be pathogenic (PMID: 18700894, 32904964).

Literature cited by the submitters: PubMed 16199547; PubMed 18700894; PubMed 32904964.

NM_000426.4(LAMA2):c.6269-2A>C

Gene: LAMA2 (laminin subunit alpha 2; plus strand). Cytogenetic location: 6q22.33.
Variant type: single nucleotide variant.
Coding change: c.6269-2A>C on transcript NM_000426.4 (MANE Select); the canonical splice acceptor site of the intron before coding-DNA position 6269, A replaced by C.
Molecular consequence: splice acceptor variant.
Genome position (GRCh38, 1-based): chr6:129,443,061, A>C. VCF-style: chr6-129443061-A-C. GRCh37 (hg19) VCF-style: chr6-129764206-A-C.
Other names: c.6269-2A>C (NM_001079823.2).
Identifiers: ClinVar variation 1506078 (VCV001506078.6), dbSNP rs2114770006, ClinGen allele CA365630298.
Genomic context (GRCh38, chr6:129,443,061, plus strand): 5'-AAATACTTCCTCATGAATTTATAATTTTTTTTTGTTTTGCTTCCATGTGAAATTGCCTGC[A>C]GAAATCAGTACGTATATGTTTACTTATATACCTTTTAGTAACGCTCATGCTTCATTGCCT-3'